The following is an entry in ClinVar:

ClinVar aggregate classification (germline): Benign/Likely benign. Review status: criteria provided, multiple submitters, no conflicts (2 of 4 stars). 5 submissions from 5 submitters: Benign (1); Likely benign (4). Last evaluated 2025-03-04.

Conditions:
Hereditary cancer-predisposing syndrome. Also called: Hereditary neoplastic syndrome; Neoplastic Syndromes, Hereditary; Tumor predisposition; Hereditary Cancer Syndrome. Identifiers: Orphanet 140162, MedGen C0027672, MeSH D009386, MONDO:0015356.
Fanconi anemia complementation group O. Also called: RAD51C-Related Fanconi Anemia. Identifiers: Orphanet 84, MedGen C3150653, MONDO:0013248, OMIM 613390.
Breast-ovarian cancer, familial, susceptibility to, 3. Also called: RAD51C-Related Breast/Ovarian Cancer. Identifiers: Orphanet 145, MedGen C3150659, MONDO:0013253, OMIM 613399.

Submissions (5):

Center for Genomic Medicine, Rigshospitalet, Copenhagen University Hospital
Classification: Likely benign. Last evaluated: 2025-03-04. Review status: criteria provided, single submitter. Criteria: ACMG Guidelines, 2015. Collection method: clinical testing. Allele origin: germline.

Myriad Genetics, Inc.
Classification: Benign for Breast-ovarian cancer, familial, susceptibility to, 3. Last evaluated: 2025-02-19. Review status: criteria provided, single submitter. Criteria: Myriad Autosomal Dominant, Autosomal Recessive and X-Linked Classification Criteria (2023). Collection method: clinical testing. Allele origin: unknown.
Comment: This variant is considered benign. This variant is a silent/synonymous amino acid change and it is not expected to impact splicing.

Labcorp Genetics (formerly Invitae), Labcorp
Classification: Likely benign for Fanconi anemia complementation group O. Last evaluated: 2024-06-30. Review status: criteria provided, single submitter. Criteria: Invitae Variant Classification Sherloc (09022015). Collection method: clinical testing. Allele origin: germline.

Color Diagnostics, LLC DBA Color Health
Classification: Likely benign for Hereditary cancer-predisposing syndrome. Last evaluated: 2019-01-22. Review status: criteria provided, single submitter. Criteria: ACMG Guidelines, 2015. Collection method: clinical testing. Allele origin: germline.

Ambry Genetics
Classification: Likely benign for Hereditary cancer-predisposing syndrome. Last evaluated: 2016-02-19. Review status: criteria provided, single submitter. Criteria: Ambry Variant Classification Scheme 2023. Collection method: clinical testing. Allele origin: germline.

NM_058216.3(RAD51C):c.1116A>G (p.Pro372=)

Gene: RAD51C (RAD51 paralog C; plus strand). Cytogenetic location: 17q22.
Variant type: single nucleotide variant.
Coding change: c.1116A>G on transcript NM_058216.3 (MANE Select); coding-DNA position 1116, A replaced by G.
Protein change: p.Pro372=; no amino-acid change (proline 372 retained).
Molecular consequence: synonymous variant. On other transcripts: non-coding transcript variant (1).
Genome position (GRCh38, 1-based): chr17:58,734,207, A>G. VCF-style: chr17-58734207-A-G. GRCh37 (hg19) VCF-style: chr17-56811568-A-G.
Identifiers: ClinVar variation 484731 (VCV000484731.12), dbSNP rs1555605627, ClinGen allele CA501076221.